The following is an entry in ClinVar:

ClinVar aggregate classification (germline): Uncertain significance. Review status: criteria provided, multiple submitters, no conflicts (2 of 4 stars). 2 submissions from 2 submitters: Uncertain significance (2). Last evaluated 2025-05-29.

Conditions:
TTC8-related disorder. Also called: TTC8-related condition.
Bardet-Biedl syndrome (BBS). Identifiers: Orphanet 110, MedGen C0752166, MONDO:0015229.

Allele frequency attached by ClinVar (database versions not stated): TOPMed below 0.00001.
gnomAD v4.1: 6 of 1,613,662 alleles (0.00037%); highest among the groups gnomAD compares: Non-Finnish European, 0.00051%; no homozygotes.

Submissions (2):

PreventionGenetics, part of Exact Sciences
Classification: Uncertain significance for TTC8-related condition. Last evaluated: 2025-05-29. Review status: criteria provided, single submitter. Criteria: ACMG Guidelines, 2015. Collection method: clinical testing. Allele origin: germline.
Comment: The TTC8 c.785T>G variant is predicted to result in the amino acid substitution p.Leu262Arg. To our knowledge, this variant has not been reported in the literature. This variant is reported in 0.00088% of alleles in individuals of European (Non-Finnish) descent in gnomAD. At this time, the clinical significance of this variant is uncertain due to the absence of conclusive functional and genetic evidence.

Labcorp Genetics (formerly Invitae), Labcorp
Classification: Uncertain significance for Bardet-Biedl syndrome. Last evaluated: 2022-05-15. Review status: criteria provided, single submitter. Criteria: Invitae Variant Classification Sherloc (09022015). Collection method: clinical testing. Allele origin: germline.
Comment: In summary, the available evidence is currently insufficient to determine the role of this variant in disease. Therefore, it has been classified as a Variant of Uncertain Significance. Algorithms developed to predict the effect of missense changes on protein structure and function are either unavailable or do not agree on the potential impact of this missense change (SIFT: "Deleterious"; PolyPhen-2: "Probably Damaging"; Align-GVGD: "Class C0"). This variant has not been reported in the literature in individuals affected with TTC8-related conditions. This variant is present in population databases (no rsID available, gnomAD 0.0009%). This sequence change replaces leucine, which is neutral and non-polar, with arginine, which is basic and polar, at codon 252 of the TTC8 protein (p.Leu252Arg).

NM_144596.4(TTC8):c.785T>G (p.Leu262Arg)

Gene: TTC8 (tetratricopeptide repeat domain 8; plus strand). Cytogenetic location: 14q31.3.
Variant type: single nucleotide variant.
Coding change: c.785T>G on transcript NM_144596.4 (MANE Select); coding-DNA position 785, T replaced by G.
Protein change: p.Leu262Arg; replaces leucine 262 with arginine.
Molecular consequence: missense variant. On other transcripts: non-coding transcript variant (1).
Genome position (GRCh38, 1-based): chr14:88,857,264, T>G. VCF-style: chr14-88857264-T-G. GRCh37 (hg19) VCF-style: chr14-89323608-T-G.
Other names: c.785T>G (NM_144596.3); c.833T>G, p.Leu278Arg (NM_001288781.1); c.191T>G, p.Leu64Arg (NM_001288782.1); c.68T>G, p.Leu23Arg (NM_001288783.1); c.755T>G, p.Leu252Arg (NM_001366535.2, NM_198309.3); c.665T>G, p.Leu222Arg (NM_001366536.2, NM_198310.3); short protein forms L23R, L278R, L64R, L222R, L252R, L262R.
Identifiers: ClinVar variation 1896185 (VCV001896185.4), dbSNP rs1459496188, ClinGen allele CA390546275.